The following is an entry in ClinVar:

NM_001844.5(COL2A1):c.342+5del

Gene: COL2A1 (collagen type II alpha 1 chain; minus strand). Cytogenetic location: 12q13.11.
Variant type: Deletion.
Coding change: c.342+5del on transcript NM_001844.5 (MANE Select); 5 bases into the intron after coding-DNA position 342, one base deleted (G; older notation c.342+5delG).
Molecular consequence: intron variant.
Genome position (GRCh38, 1-based): chr12:47,998,164, C deleted on the plus strand (G on the coding strand, the reverse complement: COL2A1 is on the minus strand). VCF-style (leftmost placement, unchanged base first): chr12-47998163-AC-A. GRCh37 (hg19) VCF-style: chr12-48391946-AC-A.
Other names: c.135+5del (NM_033150.3).
Identifiers: ClinVar variation 1999512 (VCV001999512.5), dbSNP rs2540182697, ClinGen allele CA2580085538.

ClinVar aggregate classification (germline): Uncertain significance. Review status: criteria provided, multiple submitters, no conflicts (2 of 4 stars). 2 submissions from 2 submitters: Uncertain significance (2). Last evaluated 2022-07-13.

Submissions (2):

Blueprint Genetics
Classification: Uncertain significance. Last evaluated: 2022-07-13. Review status: criteria provided, single submitter. Criteria: ACMG Guidelines, 2015. Collection method: clinical testing. Allele origin: germline.

Labcorp Genetics (formerly Invitae), Labcorp
Classification: Uncertain significance. Last evaluated: 2022-05-27. Review status: criteria provided, single submitter. Criteria: Invitae Variant Classification Sherloc (09022015). Collection method: clinical testing. Allele origin: germline.
Comment: In summary, the available evidence is currently insufficient to determine the role of this variant in disease. Therefore, it has been classified as a Variant of Uncertain Significance. This sequence change falls in intron 4 of the COL2A1 gene. It does not directly change the encoded amino acid sequence of the COL2A1 protein. It affects a nucleotide within the consensus splice site. This variant is not present in population databases (gnomAD no frequency). This variant has not been reported in the literature in individuals affected with COL2A1-related conditions. Variants that disrupt the consensus splice site are a relatively common cause of aberrant splicing (PMID: 17576681, 9536098). Algorithms developed to predict the effect of sequence changes on RNA splicing suggest that this variant may disrupt the consensus splice site.

Literature cited by the submitters: PubMed 17576681 (cited by Labcorp Genetics (formerly Invitae), Labcorp); PubMed 9536098 (cited by Labcorp Genetics (formerly Invitae), Labcorp).